The following is an entry in ClinVar:

NC_012920.1(MT-ND5):m.13406G>A

Gene: MT-ND5 (mitochondrially encoded NADH dehydrogenase 5; plus strand).
Variant type: single nucleotide variant.
Genome position: chrM-13406-G-A.
Identifiers: ClinVar variation 693552 (VCV000693552.1), dbSNP rs1603224178, ClinGen allele CA414817858.

ClinVar aggregate classification (germline): Uncertain significance (1 of 4 stars; one submission).

Conditions:
Leigh syndrome (NULS). Also called: Leigh's necrotizing encephalopathy; Leigh's disease; Leigh Syndrome (mtDNA deletion); Leigh Disease; Subacute necrotizing encephalopathy; Necrotizing encephalopathy infantile subacute of Leigh. Identifiers: Orphanet 506, MedGen C2931891, MONDO:0009723, OMIM 256000.

Submission:

Wong Mito Lab, Molecular and Human Genetics, Baylor College of Medicine
Classification: Uncertain significance for Leigh syndrome. Last evaluated: 2019-10-17. Review status: criteria provided, single submitter. Criteria: Modified ACMG Guidelines (Unpublished). Collection method: clinical testing. Allele origin: germline.
Comment: The NC_012920.1:m.13406G>A (YP_003024036.1:p.Arg357Gln) variant in MTND5 gene is interpretated to be a Uncertain Significance variant based on the modified ACMG guidelines (unpublished). This variant meets the following evidence codes: PP7